The following is an entry in ClinVar:

NM_014915.3(ANKRD26):c.17G>A (p.Ser6Asn)

Genes: ANKRD26 (ankyrin repeat domain 26; minus strand), LOC130003554 (ATAC-STARR-seq lymphoblastoid silent region 2243; plus strand). Cytogenetic location: 10p12.1.
Variant type: single nucleotide variant.
Coding change: c.17G>A on transcript NM_014915.3 (MANE Select); coding-DNA position 17, G replaced by A.
Protein change: p.Ser6Asn; replaces serine 6 with asparagine.
Molecular consequence: missense variant.
Genome position (GRCh38, 1-based): chr10:27,100,310, C>T on the plus strand (G>A on the coding strand, the complement: ANKRD26 is on the minus strand). VCF-style: chr10-27100310-C-T. GRCh37 (hg19) VCF-style: chr10-27389239-C-T.
Other names: c.17G>A, p.Ser6Asn (NM_001256053.2); short protein forms S6N.
Identifiers: ClinVar variation 3371860 (VCV003371860.4).

ClinVar aggregate classification (germline): Uncertain significance. Review status: criteria provided, multiple submitters, no conflicts (2 of 4 stars). 3 submissions from 3 submitters: Uncertain significance (3). Last evaluated 2025-10-14.

Conditions:
Inborn genetic diseases. Identifiers: MedGen C0950123, MeSH D030342.

gnomAD v4.1: 2 of 1,608,932 alleles (0.00012%); highest among the groups gnomAD compares: Non-Finnish European, 0.00017%; no homozygotes.

Submissions (3):

Ambry Genetics
Classification: Uncertain significance for Inborn genetic diseases. Last evaluated: 2025-10-14. Review status: criteria provided, single submitter. Criteria: Ambry Variant Classification Scheme 2023. Collection method: clinical testing. Allele origin: germline.

Labcorp Genetics (formerly Invitae), Labcorp
Classification: Uncertain significance. Last evaluated: 2025-01-30. Review status: criteria provided, single submitter. Criteria: Invitae Variant Classification Sherloc (09022015). Collection method: clinical testing. Allele origin: germline.
Comment: This sequence change replaces serine, which is neutral and polar, with asparagine, which is neutral and polar, at codon 6 of the ANKRD26 protein (p.Ser6Asn). This variant is present in population databases (rs371806765, gnomAD 0.0009%). This variant has not been reported in the literature in individuals affected with ANKRD26-related conditions. ClinVar contains an entry for this variant (Variation ID: 3371860). An algorithm developed to predict the effect of missense changes on protein structure and function outputs the following: PolyPhen-2: "Benign". The asparagine amino acid residue is found in multiple mammalian species, which suggests that this missense change does not adversely affect protein function. In summary, the available evidence is currently insufficient to determine the role of this variant in disease. Therefore, it has been classified as a Variant of Uncertain Significance.

GeneDx
Classification: Uncertain significance. Last evaluated: 2024-04-02. Review status: criteria provided, single submitter. Criteria: GeneDx Variant Classification Process June 2021. Collection method: clinical testing. Allele origin: germline. Affected: yes.
Comment: Not observed at significant frequency in large population cohorts (gnomAD); In silico analysis supports that this missense variant does not alter protein structure/function; Has not been previously published as pathogenic or benign to our knowledge